The following is an entry in ClinVar:

NM_001365951.3(KIF1B):c.2570A>T (p.Asp857Val)

Gene: KIF1B (kinesin family member 1B; plus strand). Cytogenetic location: 1p36.22.
Variant type: single nucleotide variant.
Coding change: c.2570A>T on transcript NM_001365951.3 (MANE Select); coding-DNA position 2570, A replaced by T.
Protein change: p.Asp857Val; replaces aspartic acid 857 with valine.
Molecular consequence: missense variant.
Genome position (GRCh38, 1-based): chr1:10,324,790, A>T. VCF-style: chr1-10324790-A-T. GRCh37 (hg19) VCF-style: chr1-10384848-A-T.
Other names: c.2570A>T, p.Asp857Val (NM_001365952.1); c.2432A>T, p.Asp811Val (NM_015074.3); short protein forms D811V, D857V.
Identifiers: ClinVar variation 4092292 (VCV004092292.1).

ClinVar aggregate classification (germline): Uncertain significance (1 of 4 stars; one submission).

Submission:

Ambry Genetics
Classification: Uncertain significance. Last evaluated: 2025-08-09. Review status: criteria provided, single submitter. Criteria: Ambry Variant Classification Scheme 2023. Collection method: clinical testing. Allele origin: germline.
Comment: The p.D811V variant (also known as c.2432A>T), located in coding exon 23 of the KIF1B gene, results from an A to T substitution at nucleotide position 2432. The aspartic acid at codon 811 is replaced by valine, an amino acid with highly dissimilar properties. This amino acid position is conserved. In addition, this alteration is predicted to be deleterious by in silico analysis. Based on the available evidence, the clinical significance of this variant remains unclear.